The following is an entry in ClinVar:

ClinVar aggregate classification (germline): Uncertain significance (1 of 4 stars; one submission).

Submission:

CeGaT Center for Human Genetics Tuebingen
Classification: Uncertain significance. Last evaluated: 2022-10-01. Review status: criteria provided, single submitter. Criteria: CeGaT Center For Human Genetics Tuebingen Variant Classification Criteria Version 2. Collection method: clinical testing. Allele origin: germline. Affected: yes. Observed: 1 variant allele.
Comment: MSN: PM2

NM_002444.3(MSN):c.922C>G (p.Gln308Glu)

Gene: MSN (moesin; plus strand). Cytogenetic location: Xq12.
Variant type: single nucleotide variant.
Coding change: c.922C>G on transcript NM_002444.3 (MANE Select); coding-DNA position 922, C replaced by G.
Protein change: p.Gln308Glu; replaces glutamine 308 with glutamic acid.
Molecular consequence: missense variant.
Genome position (GRCh38, 1-based): chrX:65,735,393, C>G. VCF-style: chrX-65735393-C-G. GRCh37 (hg19) VCF-style: chrX-64955255-C-G.
Other names: short protein forms Q308E.
Identifiers: ClinVar variation 2660762 (VCV002660762.24), dbSNP rs2523013013, ClinGen allele CA413412809.